The following is an entry in ClinVar:

ClinVar aggregate classification (germline): Uncertain significance. Review status: criteria provided, multiple submitters, no conflicts (2 of 4 stars). 2 submissions from 2 submitters: Uncertain significance (2). Last evaluated 2025-10-07.

Conditions:
Inborn genetic diseases. Identifiers: MedGen C0950123, MeSH D030342.
Developmental delay with or without dysmorphic facies and autism. Identifiers: MedGen C5193106, MONDO:0032760, OMIM 618454.

Submissions (2):

Ambry Genetics
Classification: Uncertain significance for Inborn genetic diseases. Last evaluated: 2025-10-07. Review status: criteria provided, single submitter. Criteria: Ambry Variant Classification Scheme 2023. Collection method: clinical testing. Allele origin: germline.

Victorian Clinical Genetics Services, Murdoch Childrens Research Institute
Classification: Uncertain significance for Developmental delay with or without dysmorphic facies and autism. Last evaluated: 2023-07-17. Review status: criteria provided, single submitter. Criteria: ACMG Guidelines, 2015. Collection method: clinical testing. Allele origin: germline. Inheritance: Autosomal dominant inheritance. Affected: yes.
Comment: Based on the classification scheme VCGS_Germline_v1.3.4, this variant is classified as VUS-3B. Following criteria are met: 0102 - Loss of function is a likely mechanism of disease in this gene and is associated with developmental delay with or without dysmorphic facies and autism (MIM#618454). (I) 0107 - This gene is associated with autosomal dominant disease. (I) 0200 - Variant is predicted to result in a missense amino acid change from alanine to threonine. (I) 0251 - This variant is heterozygous. (I) 0301 - Variant is absent from gnomAD (both v2 and v3). (SP) 0503 - Missense variant consistently predicted to be tolerated by multiple in silico tools or not conserved in placental mammals with a minor amino acid change. (SB) 0600 - Variant is located in the annotated Tra1 HEAT repeat ring region (DECIPHER). (I) 0705 - No comparable missense variants have previous evidence for pathogenicity. (I) 0807 - This variant has no previous evidence of pathogenicity. (I) 0905 - No published segregation evidence has been identified for this variant. (I) 1007 - No published functional evidence has been identified for this variant. (I) 1208 - Inheritance information for this variant is not currently available in this individual. (I) Legend: (SP) - Supporting pathogenic, (I) - Information, (SB) - Supporting benign

NM_001375524.1(TRRAP):c.5983G>A (p.Ala1995Thr)

Gene: TRRAP (transformation/transcription domain associated protein; plus strand). Cytogenetic location: 7q22.1.
Variant type: single nucleotide variant.
Coding change: c.5983G>A on transcript NM_001375524.1 (MANE Select); coding-DNA position 5983, G replaced by A.
Protein change: p.Ala1995Thr; replaces alanine 1995 with threonine.
Molecular consequence: missense variant.
Genome position (GRCh38, 1-based): chr7:98,956,191, G>A. VCF-style: chr7-98956191-G-A. GRCh37 (hg19) VCF-style: chr7-98553814-G-A.
Other names: c.5962G>A, p.Ala1988Thr (NM_001244580.2); c.5908G>A, p.Ala1970Thr (NM_003496.4); short protein forms A1970T, A1988T, A1995T.
Identifiers: ClinVar variation 1806308 (VCV001806308.3), dbSNP rs1562959012, ClinGen allele CA368325311.